The following is an entry in ClinVar:

ClinVar aggregate classification (germline): Uncertain significance (1 of 4 stars; one submission).

Allele frequency attached by ClinVar (database versions not stated): TOPMed 0.00003; gnomAD exomes 0.00006; ExAC 0.00023.
gnomAD v4.1: 82 of 1,588,636 alleles (0.0052%); highest among the groups gnomAD compares: Non-Finnish European, 0.0068%; no homozygotes.

Submission:

Labcorp Genetics (formerly Invitae), Labcorp
Classification: Uncertain significance. Last evaluated: 2025-05-26. Review status: criteria provided, single submitter. Criteria: Invitae Variant Classification Sherloc (09022015). Collection method: clinical testing. Allele origin: germline.
Comment: This sequence change replaces arginine, which is basic and polar, with cysteine, which is neutral and slightly polar, at codon 484 of the MICAL1 protein (p.Arg484Cys). This variant is present in population databases (rs370107041, gnomAD 0.03%), and has an allele count higher than expected for a pathogenic variant. This variant has not been reported in the literature in individuals affected with MICAL1-related conditions. ClinVar contains an entry for this variant (Variation ID: 1929706). An algorithm developed to predict the effect of missense changes on protein structure and function (PolyPhen-2) suggests that this variant is likely to be disruptive. In summary, the available evidence is currently insufficient to determine the role of this variant in disease. Therefore, it has been classified as a Variant of Uncertain Significance.

NM_022765.4(MICAL1):c.1393C>T (p.Arg465Cys)

Gene: MICAL1 (microtubule associated monooxygenase, calponin and LIM domain containing 1; minus strand). Cytogenetic location: 6q21.
Variant type: single nucleotide variant.
Coding change: c.1393C>T on transcript NM_022765.4 (MANE Select); coding-DNA position 1393, C replaced by T.
Protein change: p.Arg465Cys; replaces arginine 465 with cysteine.
Molecular consequence: missense variant.
Genome position (GRCh38, 1-based): chr6:109,449,698, G>A on the plus strand (C>T on the coding strand, the complement: MICAL1 is on the minus strand). VCF-style: chr6-109449698-G-A. GRCh37 (hg19) VCF-style: chr6-109770901-G-A.
Other names: c.1135C>T, p.Arg379Cys (NM_001159291.2); c.1450C>T, p.Arg484Cys (NM_001286613.2); short protein forms R465C, R379C, R484C.
Identifiers: ClinVar variation 1929706 (VCV001929706.5), dbSNP rs370107041, ClinGen allele CA3953416.
Genomic context (GRCh38, chr6:109,449,698, plus strand): 5'-GGTGTGTCGGGGGTCTGACCTGATTGGGGGTCACTGCCCGGAGGTTCAGGTTGGGGTAGC[G>A]GGTGGCTGGGTCCAGCCCATACTGGGCCACATTGCGATGCATGTTTTCTGGGGATGTCTG-3'
Protein context (NP_073602.3, residues 455-475): VAQYGLDPAT[Arg465Cys]YPNLNLRAVT